The following is an entry in ClinVar:

ClinVar aggregate classification (germline): Uncertain significance. Review status: criteria provided, multiple submitters, no conflicts (2 of 4 stars). 3 submissions from 3 submitters: Uncertain significance (3). Last evaluated 2024-09-18.

Conditions:
Smith-Lemli-Opitz syndrome (SLOS). Also called: POLYDACTYLY, SEX REVERSAL, RENAL HYPOPLASIA, AND UNILOBAR LUNG; RSH SYNDROME; RUTLEDGE LETHAL MULTIPLE CONGENITAL ANOMALY SYNDROME; LETHAL ACRODYSGENITAL SYNDROME; 7-Dehydrocholesterol reductase deficiency. Identifiers: Orphanet 818, MedGen C0175694, MONDO:0010035, OMIM 270400.

Allele frequency attached by ClinVar (database versions not stated): TOPMed below 0.00001.
gnomAD v4.1: 3 of 1,614,088 alleles (0.00019%); highest among the groups gnomAD compares: Non-Finnish European, 0.00025%; no homozygotes.

Submissions (3):

Labcorp Genetics (formerly Invitae), Labcorp
Classification: Uncertain significance for Smith-Lemli-Opitz syndrome. Last evaluated: 2024-09-18. Review status: criteria provided, single submitter. Criteria: Invitae Variant Classification Sherloc (09022015). Collection method: clinical testing. Allele origin: germline.
Comment: This sequence change replaces methionine, which is neutral and non-polar, with isoleucine, which is neutral and non-polar, at codon 220 of the DHCR7 protein (p.Met220Ile). This variant is not present in population databases (gnomAD no frequency). This variant has not been reported in the literature in individuals affected with DHCR7-related conditions. ClinVar contains an entry for this variant (Variation ID: 1345233). Invitae Evidence Modeling of protein sequence and biophysical properties (such as structural, functional, and spatial information, amino acid conservation, physicochemical variation, residue mobility, and thermodynamic stability) indicates that this missense variant is expected to disrupt DHCR7 protein function with a positive predictive value of 95%. In summary, the available evidence is currently insufficient to determine the role of this variant in disease. Therefore, it has been classified as a Variant of Uncertain Significance.

GeneDx
Classification: Uncertain significance. Last evaluated: 2024-06-04. Review status: criteria provided, single submitter. Criteria: GeneDx Variant Classification Process June 2021. Collection method: clinical testing. Allele origin: germline. Affected: yes.
Comment: Not observed at significant frequency in large population cohorts (gnomAD); In silico analysis indicates that this missense variant does not alter protein structure/function; Has not been previously published as pathogenic or benign to our knowledge

Fulgent Genetics
Classification: Uncertain significance for Smith-Lemli-Opitz syndrome. Last evaluated: 2021-07-15. Review status: criteria provided, single submitter. Criteria: ACMG Guidelines, 2015. Collection method: clinical testing. Allele origin: unknown.

NM_001360.3(DHCR7):c.660G>C (p.Met220Ile)

Gene: DHCR7 (7-dehydrocholesterol reductase; minus strand). Cytogenetic location: 11q13.4.
Variant type: single nucleotide variant.
Coding change: c.660G>C on transcript NM_001360.3 (MANE Select); coding-DNA position 660, G replaced by C.
Protein change: p.Met220Ile; replaces methionine 220 with isoleucine.
Molecular consequence: missense variant.
Genome position (GRCh38, 1-based): chr11:71,439,050, C>G on the plus strand (G>C on the coding strand, the complement: DHCR7 is on the minus strand). VCF-style: chr11-71439050-C-G. GRCh37 (hg19) VCF-style: chr11-71150096-C-G.
Other names: c.660G>C, p.Met220Ile (NM_001163817.2); short protein forms M220I.
Identifiers: ClinVar variation 1345233 (VCV001345233.9), dbSNP rs767377692, ClinGen allele CA381703620.
Genomic context (GRCh38, chr11:71,439,050, plus strand): 5'-ATTGAAGAACAGCTTGAAGTCAAACCACTTCCCGATCCGAGGGTTAAACTCGATGCCCAT[C>G]ATGTAGTTGTAAAAGAAATTGCCTGTGAATTTGCTTAAAAATATAAATAAAAGATACATT-3'
Protein context (NP_001351.2, residues 210-230): KFTGNFFYNY[Met220Ile]MGIEFNPRIG